The following is an entry in ClinVar:

ClinVar aggregate classification (germline): Uncertain significance. Review status: criteria provided, multiple submitters, no conflicts (2 of 4 stars). 4 submissions from 4 submitters: Uncertain significance (4). Last evaluated 2026-04-24.

Conditions:
Tuberous sclerosis 1 (TSC1). Identifiers: Orphanet 805, MedGen C1854465, MONDO:0008612, OMIM 191100.
Tuberous sclerosis syndrome (TSC). Also called: Tuberous Sclerosis Complex; Tuberous sclerosis. Identifiers: Orphanet 805, MedGen C0041341, MONDO:0001734.
Hereditary cancer-predisposing syndrome. Also called: Hereditary Cancer Syndrome; Hereditary neoplastic syndrome; Tumor predisposition; Neoplastic Syndromes, Hereditary. Identifiers: Orphanet 140162, MedGen C0027672, MeSH D009386, MONDO:0015356.

Submissions (4):

GeneDx
Classification: Uncertain significance. Last evaluated: 2026-04-24. Review status: criteria provided, single submitter. Criteria: GeneDx Variant Classification Process June 2021. Collection method: clinical testing. Allele origin: germline.
Comment: Not observed at significant frequency in large population cohorts (gnomAD); In silico analysis suggests that this missense variant does not alter protein structure/function; Has not been previously published as pathogenic or benign to our knowledge

Ambry Genetics
Classification: Uncertain significance for Hereditary cancer-predisposing syndrome. Last evaluated: 2024-08-21. Review status: criteria provided, single submitter. Criteria: Ambry Variant Classification Scheme 2023. Collection method: clinical testing. Allele origin: germline.
Comment: The p.P286S variant (also known as c.856C>T), located in coding exon 7 of the TSC1 gene, results from a C to T substitution at nucleotide position 856. The proline at codon 286 is replaced by serine, an amino acid with similar properties. This amino acid position is not well conserved in available vertebrate species. In addition, this alteration is predicted to be tolerated by in silico analysis. Based on the available evidence, the clinical significance of this variant remains unclear.

Labcorp Genetics (formerly Invitae), Labcorp
Classification: Uncertain significance for Tuberous sclerosis 1. Last evaluated: 2024-06-20. Review status: criteria provided, single submitter. Criteria: Invitae Variant Classification Sherloc (09022015). Collection method: clinical testing. Allele origin: germline.
Comment: This sequence change replaces proline, which is neutral and non-polar, with serine, which is neutral and polar, at codon 286 of the TSC1 protein (p.Pro286Ser). This variant is not present in population databases (gnomAD no frequency). This variant has not been reported in the literature in individuals affected with TSC1-related conditions. ClinVar contains an entry for this variant (Variation ID: 1020651). Advanced modeling of protein sequence and biophysical properties (such as structural, functional, and spatial information, amino acid conservation, physicochemical variation, residue mobility, and thermodynamic stability) performed at Invitae indicates that this missense variant is not expected to disrupt TSC1 protein function with a negative predictive value of 95%. In summary, the available evidence is currently insufficient to determine the role of this variant in disease. Therefore, it has been classified as a Variant of Uncertain Significance.

All of Us Research Program, National Institutes of Health
Classification: Uncertain significance for Tuberous sclerosis syndrome. Last evaluated: 2023-12-01. Review status: criteria provided, single submitter. Criteria: ACMG Guidelines, 2015. Collection method: clinical testing. Allele origin: germline. Inheritance: Autosomal dominant inheritance. Observed: 1 variant allele, 1 heterozygote.
Comment: This study involves interpretation of variants in research participants for the purpose of population health screening. Participant phenotype was not available at the time of variant classification. Additional details can be found in publication PMID: 35346344, PMCID: PMC8962531

NM_000368.5(TSC1):c.856C>T (p.Pro286Ser)

Gene: TSC1 (TSC complex subunit 1; minus strand). Cytogenetic location: 9q34.13.
Variant type: single nucleotide variant.
Coding change: c.856C>T on transcript NM_000368.5 (MANE Select); coding-DNA position 856, C replaced by T.
Protein change: p.Pro286Ser; replaces proline 286 with serine.
Molecular consequence: missense variant.
Genome position (GRCh38, 1-based): chr9:132,912,339, G>A on the plus strand (C>T on the coding strand, the complement: TSC1 is on the minus strand). VCF-style: chr9-132912339-G-A. GRCh37 (hg19) VCF-style: chr9-135787726-G-A.
Other names: c.856C>T, p.Pro286Ser (NM_001162426.2); c.703C>T, p.Pro235Ser (NM_001162427.2); c.493C>T, p.Pro165Ser (NM_001362177.2); short protein forms P165S, P235S, P286S.
Identifiers: ClinVar variation 1020651 (VCV001020651.14), dbSNP rs1047485135, ClinGen allele CA375369220.